The following is an entry in ClinVar:

ClinVar aggregate classification (germline): Uncertain significance. Review status: criteria provided, multiple submitters, no conflicts (2 of 4 stars). 2 submissions from 2 submitters: Uncertain significance (2). Last evaluated 2025-10-08.

Allele frequency attached by ClinVar (database versions not stated): TOPMed below 0.00001; gnomAD exomes 0.00001; ExAC 0.00009.
gnomAD v4.1: 6 of 1,219,684 alleles (0.00049%); highest among the groups gnomAD compares: Admixed American, 0.011%; no homozygotes.

Submissions (2):

Labcorp Genetics (formerly Invitae), Labcorp
Classification: Uncertain significance. Last evaluated: 2025-10-08. Review status: criteria provided, single submitter. Criteria: Invitae Variant Classification Sherloc (09022015). Collection method: clinical testing. Allele origin: germline.
Comment: This sequence change replaces serine, which is neutral and polar, with asparagine, which is neutral and polar, at codon 2 of the OTULIN protein (p.Ser2Asn). The frequency data for this variant in the population databases is considered unreliable, as metrics indicate poor data quality at this position in the gnomAD database. This variant has not been reported in the literature in individuals affected with OTULIN-related conditions. ClinVar contains an entry for this variant (Variation ID: 1357898). An algorithm developed to predict the effect of missense changes on protein structure and function (PolyPhen-2) suggests that this variant is likely to be tolerated. In summary, the available evidence is currently insufficient to determine the role of this variant in disease. Therefore, it has been classified as a Variant of Uncertain Significance.

Ambry Genetics
Classification: Uncertain significance. Last evaluated: 2025-08-22. Review status: criteria provided, single submitter. Criteria: Ambry Variant Classification Scheme 2023. Collection method: clinical testing. Allele origin: germline.

NM_138348.6(OTULIN):c.5G>A (p.Ser2Asn)

Gene: OTULIN (OTU deubiquitinase with linear linkage specificity; plus strand). Cytogenetic location: 5p15.2.
Variant type: single nucleotide variant.
Coding change: c.5G>A on transcript NM_138348.6 (MANE Select); coding-DNA position 5, G replaced by A.
Protein change: p.Ser2Asn; replaces serine 2 with asparagine.
Molecular consequence: missense variant.
Genome position (GRCh38, 1-based): chr5:14,664,830, G>A. VCF-style: chr5-14664830-G-A. GRCh37 (hg19) VCF-style: chr5-14664939-G-A.
Other names: c.5G>A (NM_138348.4); short protein forms S2N.
Identifiers: ClinVar variation 1357898 (VCV001357898.5), dbSNP rs749422586, ClinGen allele CA3208498.